The following is an entry in ClinVar:

ClinVar aggregate classification (germline): Uncertain significance (1 of 4 stars; one submission).

Conditions:
Cardiovascular phenotype. Identifiers: MedGen CN230736.

gnomAD v4.1: 6 of 1,614,094 alleles (0.00037%); highest among the groups gnomAD compares: Non-Finnish European, 0.00051%; no homozygotes.

Submission:

Ambry Genetics
Classification: Uncertain significance for Cardiovascular phenotype. Last evaluated: 2024-03-27. Review status: criteria provided, single submitter. Criteria: Ambry Variant Classification Scheme 2023. Collection method: clinical testing. Allele origin: germline.
Comment: The p.T3413A variant (also known as c.10237A>G), located in coding exon 26 of the APOB gene, results from an A to G substitution at nucleotide position 10237. The threonine at codon 3413 is replaced by alanine, an amino acid with similar properties. This amino acid position is conserved. In addition, this alteration is predicted to be tolerated by in silico analysis. Based on the available evidence, the clinical significance of this alteration remains unclear.

NM_000384.3(APOB):c.10237A>G (p.Thr3413Ala)

Gene: APOB (apolipoprotein B; minus strand). Cytogenetic location: 2p24.1.
Variant type: single nucleotide variant.
Coding change: c.10237A>G on transcript NM_000384.3 (MANE Select); coding-DNA position 10237, A replaced by G.
Protein change: p.Thr3413Ala; replaces threonine 3413 with alanine.
Molecular consequence: missense variant.
Genome position (GRCh38, 1-based): chr2:21,006,631, T>C on the plus strand (A>G on the coding strand, the complement: APOB is on the minus strand). VCF-style: chr2-21006631-T-C. GRCh37 (hg19) VCF-style: chr2-21229503-T-C.
Other names: short protein forms T3413A.
Identifiers: ClinVar variation 3307497 (VCV003307497.1).